The following is an entry in ClinVar:

NM_005908.4(MANBA):c.1921C>T (p.Arg641Cys)

Gene: MANBA (mannosidase beta; minus strand). Cytogenetic location: 4q24.
Variant type: single nucleotide variant.
Coding change: c.1921C>T on transcript NM_005908.4 (MANE Select); coding-DNA position 1921, C replaced by T.
Protein change: p.Arg641Cys; replaces arginine 641 with cysteine.
Molecular consequence: missense variant.
Genome position (GRCh38, 1-based): chr4:102,639,806, G>A on the plus strand (C>T on the coding strand, the complement: MANBA is on the minus strand). VCF-style: chr4-102639806-G-A. GRCh37 (hg19) VCF-style: chr4-103560963-G-A.
Other names: short protein forms R641C.
Identifiers: ClinVar variation 901951 (VCV000901951.11), dbSNP rs140692906, ClinGen allele CA3026757.

ClinVar aggregate classification (germline): Uncertain significance. Review status: criteria provided, multiple submitters, no conflicts (2 of 4 stars). 6 submissions from 6 submitters: Uncertain significance (4). 2 of the submissions do not count toward it. Last evaluated 2026-09-05.

Conditions:
Meniere disease. Also called: Ménière's disease. Identifiers: MedGen C0025281, MONDO:0007972, OMIM 156000.
MANBA-related disorder. Also called: MANBA-related condition.
Beta-D-mannosidosis (MANSB). Also called: MANNOSIDOSIS, BETA A, LYSOSOMAL; BETA-MANNOSIDASE DEFICIENCY; Beta-Mannosidosis; LYSOSOMAL BETA-MANNOSIDASE DEFICIENCY. Identifiers: Orphanet 118, MedGen C4048196, MONDO:0009562, OMIM 248510.

Allele frequency attached by ClinVar (database versions not stated): TOPMed 0.00019; ExAC 0.00024; gnomAD exomes 0.00025; 1000 Genomes Project 0.00040; 1000 Genomes Project 30x 0.00047; ESP Exome Variant Server 0.00015; gnomAD 0.00021.
gnomAD v4.1: 206 of 1,614,028 alleles (0.013%); highest among the groups gnomAD compares: Admixed American, 0.02%; 1 homozygote.

Submissions (6):

GeneDx
Classification: Uncertain significance. Last evaluated: 2026-09-05. Review status: criteria provided, single submitter. Criteria: GeneDx Variant Classification Process June 2021. Collection method: clinical testing. Allele origin: germline.
Comment: In silico analysis supports that this missense variant has a deleterious effect on protein structure/function; Has not been previously published as pathogenic or benign to our knowledge; This variant is associated with the following publications: (PMID: 18980795)

Greenwood Genetic Center Diagnostic Laboratories, Greenwood Genetic Center
Classification: Uncertain significance. Last evaluated: 2026-04-10. Review status: criteria provided, single submitter. Criteria: ACMG Guidelines, 2015. Collection method: clinical testing. Allele origin: germline.
Comment: PM5_Supporting, BS1

Labcorp Genetics (formerly Invitae), Labcorp
Classification: Uncertain significance for Beta-D-mannosidosis. Last evaluated: 2022-07-05. Review status: criteria provided, single submitter. Criteria: Invitae Variant Classification Sherloc (09022015). Collection method: clinical testing. Allele origin: germline.
Comment: This sequence change replaces arginine, which is basic and polar, with cysteine, which is neutral and slightly polar, at codon 641 of the MANBA protein (p.Arg641Cys). This variant is present in population databases (rs140692906, gnomAD 0.3%). This variant has not been reported in the literature in individuals affected with MANBA-related conditions. ClinVar contains an entry for this variant (Variation ID: 901951). Algorithms developed to predict the effect of missense changes on protein structure and function are either unavailable or do not agree on the potential impact of this missense change (SIFT: "Deleterious"; PolyPhen-2: "Probably Damaging"; Align-GVGD: "Class C0"). In summary, the available evidence is currently insufficient to determine the role of this variant in disease. Therefore, it has been classified as a Variant of Uncertain Significance.

Illumina Laboratory Services, Illumina
Classification: Uncertain significance for Beta-D-mannosidosis. Last evaluated: 2017-04-27. Review status: criteria provided, single submitter. Criteria: ICSL Variant Classification Criteria 13 December 2019. Collection method: clinical testing. Allele origin: germline.

Center for Computational Biology & Bioinformatics, University of California, San Diego
Classification: Uncertain significance for Meniere disease. Last evaluated: 2024-06-03. Review status: no assertion criteria provided. Collection method: research. Allele origin: germline. Affected: yes. Not counted in ClinVar's aggregate classification.

PreventionGenetics, part of Exact Sciences
Classification: Likely benign for MANBA-related condition. Last evaluated: 2024-01-08. Review status: no assertion criteria provided. Collection method: clinical testing. Allele origin: germline. Not counted in ClinVar's aggregate classification.
Comment: This variant is classified as likely benign based on ACMG/AMP sequence variant interpretation guidelines (Richards et al. 2015 PMID: 25741868, with internal and published modifications).